The following is an entry in ClinVar:

NM_144670.6(A2ML1):c.3237G>A (p.Val1079=)

Gene: A2ML1 (alpha-2-macroglobulin like 1; plus strand). Cytogenetic location: 12p13.31.
Variant type: single nucleotide variant.
Coding change: c.3237G>A on transcript NM_144670.6 (MANE Select); coding-DNA position 3237, G replaced by A.
Protein change: p.Val1079=; no amino-acid change (valine 1079 retained).
Molecular consequence: synonymous variant.
Genome position (GRCh38, 1-based): chr12:8,858,075, G>A. VCF-style: chr12-8858075-G-A. GRCh37 (hg19) VCF-style: chr12-9010671-G-A.
Other names: c.1764G>A, p.Val588= (NM_001282424.3).
Identifiers: ClinVar variation 383783 (VCV000383783.13), dbSNP rs11612600, ClinGen allele CA6436295.

ClinVar aggregate classification (germline): Benign/Likely benign. Review status: criteria provided, multiple submitters, no conflicts (2 of 4 stars). 5 submissions from 5 submitters: Benign (4); Likely benign (1). Last evaluated 2026-02-04.

Allele frequency attached by ClinVar (database versions not stated): 1000 Genomes Project 0.25439; 1000 Genomes Project 30x 0.25734; TOPMed 0.28257; gnomAD 0.29144 and 0.29274; ExAC 0.30079; ESP Exome Variant Server 0.30652.
gnomAD v4.1: 542,786 of 1,613,776 alleles (34%); highest among the groups gnomAD compares: Non-Finnish European, 36%; 95,106 homozygotes.

Submissions (5):

Labcorp Genetics (formerly Invitae), Labcorp
Classification: Benign. Last evaluated: 2026-02-04. Review status: criteria provided, single submitter. Criteria: Invitae Variant Classification Sherloc (09022015). Collection method: clinical testing. Allele origin: germline.

Blueprint Genetics
Classification: Likely benign. Last evaluated: 2024-11-27. Review status: criteria provided, single submitter. Criteria: ACMG Guidelines, 2015. Collection method: clinical testing. Allele origin: germline.

Women's Health and Genetics/Laboratory Corporation of America, LabCorp
Classification: Benign. Last evaluated: 2019-08-09. Review status: criteria provided, single submitter. Criteria: LabCorp Variant Classification Summary - May 2015. Collection method: clinical testing. Allele origin: germline.

GeneDx
Classification: Benign. Last evaluated: 2016-09-29. Review status: criteria provided, single submitter. Criteria: GeneDx Variant Classification (06012015). Collection method: clinical testing. Allele origin: germline. Affected: yes.
Comment: This variant is considered likely benign or benign based on one or more of the following criteria: it is a conservative change, it occurs at a poorly conserved position in the protein, it is predicted to be benign by multiple in silico algorithms, and/or has population frequency not consistent with disease.

Breakthrough Genomics
Classification: Benign. Review status: criteria provided, single submitter. Criteria: ACMG Guidelines, 2015. Collection method: not provided. Allele origin: germline. Inheritance: Autosomal dominant inheritance. Affected: yes.